The following is an entry in ClinVar:

NM_001384732.1(CPLANE1):c.1394del (p.Leu465fs)

Gene: CPLANE1 (ciliogenesis and planar polarity effector complex subunit 1; minus strand). Cytogenetic location: 5p13.2.
Variant type: Deletion.
Coding change: c.1394del on transcript NM_001384732.1 (MANE Select); coding-DNA position 1394, one base deleted (T; older notation c.1394delT).
Protein change: p.Leu465fs; shifts the reading frame from leucine 465.
Molecular consequence: frameshift variant.
Genome position (GRCh38, 1-based): chr5:37,227,370, A deleted on the plus strand (T on the coding strand, the reverse complement: CPLANE1 is on the minus strand); the first of 2 consecutive A bases (chr5:37,227,370-37,227,371); deleting either gives the same sequence. VCF-style (leftmost placement, unchanged base first): chr5-37227369-CA-C. GRCh37 (hg19) VCF-style: chr5-37227471-CA-C.
Other names: c.1394del, p.Leu465fs (NM_023073.4); c.1394del (NM_023073.3); short protein forms L465fs.
Identifiers: ClinVar variation 802118 (VCV000802118.12), dbSNP rs1280425167, ClinGen allele CA810305008.

ClinVar aggregate classification (germline): Pathogenic/Likely pathogenic. Review status: criteria provided, multiple submitters, no conflicts (2 of 4 stars). 5 submissions from 5 submitters: Pathogenic (3); Likely pathogenic (2). Last evaluated 2025-05-19.

Conditions:
Orofaciodigital syndrome type 6 (OFD6). Also called: VARADI-PAPP SYNDROME; OROFACIODIGITAL SYNDROME VI; OFDS VI; POLYDACTYLY, CLEFT LIP/PALATE OR LINGUAL LUMP, AND PSYCHOMOTOR RETARDATION; VARADI SYNDROME; Oral-facial-digital syndrome type 6. Identifiers: Orphanet 2754, MedGen C2745997, MONDO:0010176, OMIM 277170.
Joubert syndrome 17 (JBTS17). Identifiers: Orphanet 475, MedGen C3553264, MONDO:0013824, OMIM 614615.
Joubert syndrome 1 (JBTS1). Also called: Cerebellooculorenal syndrome 1; CEREBELLOPARENCHYMAL DISORDER IV. Identifiers: MedGen C4551568, MONDO:0008944, OMIM 213300.

Submissions (5):

Dasa
Classification: Likely pathogenic. Last evaluated: 2025-05-19. Review status: criteria provided, single submitter. Criteria: DASA Assertion Criteria. Collection method: clinical testing. Allele origin: germline.
Comment: NM_001384732.1(CPLANE1):c.1394del (p.Leu465Cysfs*4) is a frameshift variant in CPLANE1 predicted to alter the reading frame and introduce a premature termination codon and is predicted to result in an absent or altered protein product. Loss of function is an established disease mechanism for CPLANE1-associated disorders. Also, this variant is rare in population databases. Based on the currently available evidence, this variant is classified as likely pathogenic.

Fulgent Genetics
Classification: Likely pathogenic for Orofaciodigital syndrome type 6; Joubert syndrome 17. Last evaluated: 2024-06-20. Review status: criteria provided, single submitter. Criteria: ACMG Guidelines, 2015. Collection method: clinical testing. Allele origin: germline.

Centre of Medical Genetics, University Hospital Muenster
Classification: Pathogenic. Last evaluated: 2022-07-01. Review status: criteria provided, single submitter. Criteria: ACMG Guidelines, 2015. Collection method: clinical testing. Allele origin: unknown. Affected: yes. Observed: 1 variant allele, 1 heterozygote.
Comment: ACMG categories: PVS1,PS4,PM3,PP5

Labcorp Genetics (formerly Invitae), Labcorp
Classification: Pathogenic. Last evaluated: 2022-06-27. Review status: criteria provided, single submitter. Criteria: Invitae Variant Classification Sherloc (09022015). Collection method: clinical testing. Allele origin: germline.
Comment: This variant has not been reported in the literature in individuals affected with CPLANE1-related conditions. ClinVar contains an entry for this variant (Variation ID: 802118). For these reasons, this variant has been classified as Pathogenic. This sequence change creates a premature translational stop signal (p.Leu465Cysfs*4) in the CPLANE1 gene. It is expected to result in an absent or disrupted protein product. Loss-of-function variants in CPLANE1 are known to be pathogenic (PMID: 24178751, 26092869). This variant is not present in population databases (gnomAD no frequency).

Mendelics
Classification: Pathogenic for Joubert syndrome 1. Last evaluated: 2019-05-24. Review status: criteria provided, single submitter. Criteria: Mendelics Assertion Criteria 2017. Collection method: clinical testing. Allele origin: unknown.
Comment: This variant was found in the same haplotype of variant NM_001384732.1(CPLANE1):c.2898del (p.Pro968fs) (ID: SCV001136826.1).

Literature cited by the submitters: PubMed 24178751 (cited by Labcorp Genetics (formerly Invitae), Labcorp); PubMed 26092869 (cited by Labcorp Genetics (formerly Invitae), Labcorp).